The following is an entry in ClinVar:

ClinVar aggregate classification (germline): Uncertain significance (1 of 4 stars; one submission).

Conditions:
Dworschak-Punetha neurodevelopmental syndrome (DWOPNED). Identifiers: MedGen C5677017, MONDO:0859260, OMIM 619955.

Submission:

Juno Genomics, Hangzhou Juno Genomics, Inc
Classification: Uncertain significance for Dworschak-Punetha neurodevelopmental syndrome. Review status: criteria provided, single submitter. Criteria: ACMG Guidelines, 2015. Collection method: clinical testing. Allele origin: germline.
Comment: Absent from controls (or at extremely low frequency if recessive) in Genome Aggregation Database.;Missense variant in a gene that has a low rate of benign missense variation.

NM_032242.4(PLXNA1):c.1052C>T (p.Pro351Leu)

Gene: PLXNA1 (plexin A1; plus strand). Cytogenetic location: 3q21.3.
Variant type: single nucleotide variant.
Coding change: c.1052C>T on transcript NM_032242.4 (MANE Select); coding-DNA position 1052, C replaced by T.
Protein change: p.Pro351Leu; replaces proline 351 with leucine.
Molecular consequence: missense variant.
Genome position (GRCh38, 1-based): chr3:126,989,645, C>T. VCF-style: chr3-126989645-C-T. GRCh37 (hg19) VCF-style: chr3-126708488-C-T.
Other names: short protein forms P351L.
Identifiers: ClinVar variation 5006529 (VCV005006529.2).